The following is an entry in ClinVar:

NM_000784.4(CYP27A1):c.1020_1022del (p.Ser341del)

Gene: CYP27A1 (cytochrome P450 family 27 subfamily A member 1; plus strand). Cytogenetic location: 2q35.
Variant type: Deletion.
Coding change: c.1020_1022del on transcript NM_000784.4 (MANE Select); coding-DNA positions 1020 to 1022, 3 bases deleted (ATC; older notation c.1020_1022delATC).
Protein change: p.Ser341del; deletes serine 341.
Genome position (GRCh38, 1-based): chr2:218,814,023-218,814,025, ATC deleted; deleting any 3 consecutive bases within chr2:218,814,022-218,814,025 gives the same sequence; the c. name uses the placement nearest the transcript's 3' end. VCF-style (leftmost placement, unchanged base first): chr2-218814021-ACAT-A. GRCh37 (hg19) VCF-style: chr2-219678744-ACAT-A.
Other names: short protein forms S341del.
Identifiers: ClinVar variation 3046752 (VCV003046752.2), dbSNP rs1362081601, ClinGen allele CA539840596.
Genomic context (GRCh38, chr2:218,814,021, plus strand): 5'-CCCATTACTGGCCTCTTTCCTAGAAATCGCCCTCACCTGATCTCCCACTCTATCTTCTAG[ACAT>A]CCAACACGCTGACATGGGCCCTGTACCACCTCTCAAAGGACCCTGAGATCCAGGAGGCCT-3'

ClinVar aggregate classification (germline): Uncertain significance (0 of 4 stars; one submission).

Conditions:
CYP27A1-related disorder. Also called: CYP27A1-related condition.

Submission:

PreventionGenetics, part of Exact Sciences
Classification: Uncertain significance for CYP27A1-related condition. Last evaluated: 2024-01-02. Review status: no assertion criteria provided. Collection method: clinical testing. Allele origin: germline.
Comment: The CYP27A1 c.1020_1022delATC variant is predicted to result in an in-frame deletion (p.Ser341del). To our knowledge, this variant has not been reported in the literature or in a large population database, indicating this variant is rare. At this time, the clinical significance of this variant is uncertain due to the absence of conclusive functional and genetic evidence.